The following is an entry in ClinVar:

NM_001267550.2(TTN):c.32881A>G (p.Ile10961Val)

Gene: TTN (titin; minus strand). Cytogenetic location: 2q31.2.
Variant type: single nucleotide variant.
Coding change: c.32881A>G on transcript NM_001267550.2 (MANE Select); coding-DNA position 32881, A replaced by G.
Protein change: p.Ile10961Val; replaces isoleucine 10961 with valine.
Molecular consequence: missense variant. On other transcripts: intron variant (3).
Genome position (GRCh38, 1-based): chr2:178,683,217, T>C on the plus strand (A>G on the coding strand, the complement: TTN is on the minus strand). VCF-style: chr2-178683217-T-C. GRCh37 (hg19) VCF-style: chr2-179547944-T-C.
Other names: c.31930A>G, p.Ile10644Val (NM_001256850.1); c.29149A>G, p.Ile9717Val (NM_133378.4); c.13283-40900A>G (NM_003319.4); c.13859-40900A>G (NM_133437.4); c.13658-40900A>G (NM_133432.3); short protein forms I10961V, I9717V, I10644V.
Identifiers: ClinVar variation 332888 (VCV000332888.5), dbSNP rs886055284, ClinGen allele CA10613118.

ClinVar aggregate classification (germline): Conflicting classifications of pathogenicity. Review status: criteria provided, conflicting classifications (1 of 4 stars). 6 submissions from 2 submitters: Uncertain significance (5); Likely benign (1). Last evaluated 2018-01-13.

Conditions:
Early-onset myopathy with fatal cardiomyopathy (CMYO5). Also called: CONGENITAL MYOPATHY 5 WITH CARDIOMYOPATHY; Salih Myopathy. Identifiers: Orphanet 289377, MedGen C2673677, MONDO:0012714, OMIM 611705. Disease mechanism: loss of function.
Autosomal recessive limb-girdle muscular dystrophy type 2J (LGMDR10). Also called: MUSCULAR DYSTROPHY, LIMB-GIRDLE, AUTOSOMAL RECESSIVE 10; Limb-girdle muscular dystrophy, type 2J. Identifiers: Orphanet 140922, MedGen C1837342, MONDO:0012127, OMIM 608807.
Dilated cardiomyopathy 1G (CMD1G). Identifiers: Orphanet 154, MedGen C1858763, MONDO:0011400, OMIM 604145.
Tibial muscular dystrophy (TMD). Also called: Udd Distal Myopathy – Tibial Muscular Dystrophy; UDD MYOPATHY; Tibial muscular dystrophy, tardive. Identifiers: Orphanet 609, MedGen C1838244, MONDO:0010870, OMIM 600334.
Myopathy, myofibrillar, 9, with early respiratory failure (MFM9). Also called: Myopathy, distal, with early respiratory failure, autosomal dominant; Hereditary myopathy with early respiratory failure; EDSTROM MYOPATHY; MYOPATHY, PROXIMAL, WITH EARLY RESPIRATORY MUSCLE INVOLVEMENT. Identifiers: Orphanet 178464, Orphanet 34521, MedGen C1863599, MONDO:0011362, OMIM 603689.

Allele frequency attached by ClinVar (database versions not stated): TOPMed below 0.00001; gnomAD 0.00001 and 0.00002; gnomAD exomes 0.00001 and 0.00002.
gnomAD v4.1: 34 of 1,548,910 alleles (0.0022%); highest among the groups gnomAD compares: East Asian, 0.082%; no homozygotes.

Submissions (6):

Illumina Laboratory Services, Illumina
Classification: Uncertain significance for Dilated cardiomyopathy 1G. Last evaluated: 2018-01-13. Review status: criteria provided, single submitter. Criteria: ICSL Variant Classification Criteria 13 December 2019. Collection method: clinical testing. Allele origin: germline.

Illumina Laboratory Services, Illumina
Classification: Uncertain significance for Autosomal recessive limb-girdle muscular dystrophy type 2J. Last evaluated: 2018-01-13. Review status: criteria provided, single submitter. Criteria: ICSL Variant Classification Criteria 13 December 2019. Collection method: clinical testing. Allele origin: germline.

Illumina Laboratory Services, Illumina
Classification: Uncertain significance for Tibial muscular dystrophy. Last evaluated: 2018-01-13. Review status: criteria provided, single submitter. Criteria: ICSL Variant Classification Criteria 13 December 2019. Collection method: clinical testing. Allele origin: germline.

Illumina Laboratory Services, Illumina
Classification: Uncertain significance for Myopathy, myofibrillar, 9, with early respiratory failure. Last evaluated: 2018-01-13. Review status: criteria provided, single submitter. Criteria: ICSL Variant Classification Criteria 13 December 2019. Collection method: clinical testing. Allele origin: germline.

Illumina Laboratory Services, Illumina
Classification: Uncertain significance for Early-onset myopathy with fatal cardiomyopathy. Last evaluated: 2018-01-13. Review status: criteria provided, single submitter. Criteria: ICSL Variant Classification Criteria 13 December 2019. Collection method: clinical testing. Allele origin: germline.

GeneDx
Classification: Likely benign. Last evaluated: 2017-07-27. Review status: criteria provided, single submitter. Criteria: GeneDx Variant Classification (06012015). Collection method: clinical testing. Allele origin: germline. Affected: yes.
Comment: This variant is considered likely benign or benign based on one or more of the following criteria: it is a conservative change, it occurs at a poorly conserved position in the protein, it is predicted to be benign by multiple in silico algorithms, and/or has population frequency not consistent with disease.